The following is an entry in ClinVar:

NM_001034853.2(RPGR):c.81del (p.Gly28fs)

Gene: RPGR (retinitis pigmentosa GTPase regulator; minus strand). Cytogenetic location: Xp11.4.
Variant type: Deletion.
Coding change: c.81del on transcript NM_001034853.2 (MANE Select); coding-DNA position 81, one base deleted (C; older notation c.81delC).
Protein change: p.Gly28fs; shifts the reading frame from glycine 28.
Molecular consequence: frameshift variant. On other transcripts: non-coding transcript variant (6).
Genome position (GRCh38, 1-based): chrX:38,323,472, G deleted on the plus strand (C on the coding strand, the reverse complement: RPGR is on the minus strand); the first of 3 consecutive G bases (chrX:38,323,472-38,323,474); deleting any one gives the same sequence. VCF-style (leftmost placement, unchanged base first): chrX-38323471-CG-C. GRCh37 (hg19) VCF-style: chrX-38182724-CG-C.
Other names: c.81del, p.Gly28fs (NM_000328.3, NM_001367245.1, NM_001367246.1 and 4 more transcripts); c.111del, p.Gly38fs (NM_001367248.1); short protein forms G28fs, G38fs.
Identifiers: ClinVar variation 1802332 (VCV001802332.5), dbSNP rs2519912523, ClinGen allele CA2580100916.

ClinVar aggregate classification (germline): Pathogenic. Review status: criteria provided, multiple submitters, no conflicts (2 of 4 stars). 2 submissions from 2 submitters: Pathogenic (2). Last evaluated 2024-12-23.

Conditions:
Primary ciliary dyskinesia. Also called: Ciliary dyskinesia. Identifiers: Orphanet 244, MedGen C0008780, MONDO:0016575, HP:0012265.

Submissions (2):

Labcorp Genetics (formerly Invitae), Labcorp
Classification: Pathogenic for Primary ciliary dyskinesia. Last evaluated: 2024-12-23. Review status: criteria provided, single submitter. Criteria: Invitae Variant Classification Sherloc (09022015). Collection method: clinical testing. Allele origin: germline.
Comment: This sequence change creates a premature translational stop signal (p.Gly28Valfs*40) in the RPGR gene. It is expected to result in an absent or disrupted protein product. Loss-of-function variants in RPGR are known to be pathogenic (PMID: 16055928, 16969763). This variant is not present in population databases (gnomAD no frequency). This variant has not been reported in the literature in individuals affected with RPGR-related conditions. ClinVar contains an entry for this variant (Variation ID: 1802332). For these reasons, this variant has been classified as Pathogenic.

PreventionGenetics, part of Exact Sciences
Classification: Pathogenic. Last evaluated: 2022-02-20. Review status: criteria provided, single submitter. Criteria: ACMG Guidelines, 2015. Collection method: clinical testing. Allele origin: germline.

Literature cited by the submitters: PubMed 16055928 (cited by Labcorp Genetics (formerly Invitae), Labcorp); PubMed 16969763 (cited by Labcorp Genetics (formerly Invitae), Labcorp).